The following is an entry in ClinVar:

NM_001829.4(CLCN3):c.1993C>G (p.Pro665Ala)

Gene: CLCN3 (Cl-/H+ antiporter 3; plus strand). Cytogenetic location: 4q33.
Variant type: single nucleotide variant.
Coding change: c.1993C>G on transcript NM_001829.4 (MANE Select); coding-DNA position 1993, C replaced by G.
Protein change: p.Pro665Ala; replaces proline 665 with alanine.
Molecular consequence: missense variant.
Genome position (GRCh38, 1-based): chr4:169,707,110, C>G. VCF-style: chr4-169707110-C-G. GRCh37 (hg19) VCF-style: chr4-170628261-C-G.
Other names: c.1912C>G, p.Pro638Ala (NM_001243372.2, NM_001243374.2); c.1993C>G, p.Pro665Ala (NM_173872.4); short protein forms P638A, P665A.
Identifiers: ClinVar variation 3372556 (VCV003372556.3).
Genomic context (GRCh38, chr4:169,707,110, plus strand): 5'-AAAGAAGAATTCACTCATACCACCCTGGCTGCTGACGTTATGAGACCTCGAAGGAATGAT[C>G]CTCCCTTAGCTGTCCTGACACAGGACAATATGACAGTGGATGATATAGAAAACATGATTA-3'
Protein context (NP_001820.2, residues 655-675): ADVMRPRRND[Pro665Ala]PLAVLTQDNM

ClinVar aggregate classification (germline): Conflicting classifications of pathogenicity. Review status: criteria provided, conflicting classifications (1 of 4 stars). 2 submissions from 2 submitters: Uncertain significance (1); Likely benign (1). Last evaluated 2025-12-15.

Conditions:
Inborn genetic diseases. Identifiers: MedGen C0950123, MeSH D030342.

gnomAD v4.1: 22 of 1,613,948 alleles (0.0014%); highest among the groups gnomAD compares: Admixed American, 0.033%; no homozygotes.

Submissions (2):

Ambry Genetics
Classification: Likely benign for Inborn genetic diseases. Last evaluated: 2025-12-15. Review status: criteria provided, single submitter. Criteria: Ambry Variant Classification Scheme 2023. Collection method: clinical testing. Allele origin: germline.

GeneDx
Classification: Uncertain significance. Last evaluated: 2025-01-14. Review status: criteria provided, single submitter. Criteria: GeneDx Variant Classification Process June 2021. Collection method: clinical testing. Allele origin: germline. Affected: yes.
Comment: In silico analysis supports that this missense variant has a deleterious effect on protein structure/function; Has not been previously published as pathogenic or benign to our knowledge